The following is an entry in ClinVar:

ClinVar aggregate classification (germline): Uncertain significance. Review status: criteria provided, multiple submitters, no conflicts (2 of 4 stars). 2 submissions from 2 submitters: Uncertain significance (2). Last evaluated 2025-09-25.

Conditions:
Cardiovascular phenotype. Identifiers: MedGen CN230736.
Catecholaminergic polymorphic ventricular tachycardia 1. Also called: VENTRICULAR TACHYCARDIA, CATECHOLAMINERGIC POLYMORPHIC, 1, WITH OR WITHOUT ATRIAL DYSFUNCTION AND/OR DILATED CARDIOMYOPATHY; RYR2-Related Catecholaminergic Polymorphic Ventricular Tachycardia; VENTRICULAR TACHYCARDIA, STRESS-INDUCED POLYMORPHIC 1. Identifiers: Orphanet 3286, MedGen C1631597, MONDO:0011484, OMIM 604772.

Allele frequency attached by ClinVar (database versions not stated): gnomAD exomes below 0.00001 and 0.00012; TOPMed below 0.00001; gnomAD 0.00001 and 0.00003; ExAC 0.00002; 1000 Genomes Project 30x 0.00016; 1000 Genomes Project 0.00020.
gnomAD v4.1: 74 of 1,579,162 alleles (0.0047%); highest among the groups gnomAD compares: East Asian, 0.17%; no homozygotes.

Submissions (2):

Ambry Genetics
Classification: Uncertain significance for Cardiovascular phenotype. Last evaluated: 2025-09-25. Review status: criteria provided, single submitter. Criteria: Ambry Variant Classification Scheme 2023. Collection method: clinical testing. Allele origin: germline.

Labcorp Genetics (formerly Invitae), Labcorp
Classification: Uncertain significance for Catecholaminergic polymorphic ventricular tachycardia 1. Last evaluated: 2021-10-04. Review status: criteria provided, single submitter. Criteria: Invitae Variant Classification Sherloc (09022015). Collection method: clinical testing. Allele origin: germline.
Comment: This variant is present in population databases (rs566714157, ExAC 0.03%). In summary, the available evidence is currently insufficient to determine the role of this variant in disease. Therefore, it has been classified as a Variant of Uncertain Significance. Algorithms developed to predict the effect of missense changes on protein structure and function are either unavailable or do not agree on the potential impact of this missense change (SIFT: "Deleterious"; PolyPhen-2: "Not Available"; Align-GVGD: "Class C0"). This variant has not been reported in the literature in individuals affected with TRDN-related conditions. This sequence change replaces tyrosine with asparagine at codon 104 of the TRDN protein (p.Tyr104Asn). The tyrosine residue is moderately conserved and there is a large physicochemical difference between tyrosine and asparagine.

NM_006073.4(TRDN):c.310T>A (p.Tyr104Asn)

Gene: TRDN (triadin; minus strand). Cytogenetic location: 6q22.31.
Variant type: single nucleotide variant.
Coding change: c.310T>A on transcript NM_006073.4 (MANE Select); coding-DNA position 310, T replaced by A.
Protein change: p.Tyr104Asn; replaces tyrosine 104 with asparagine.
Molecular consequence: missense variant.
Genome position (GRCh38, 1-based): chr6:123,548,535, A>T on the plus strand (T>A on the coding strand, the complement: TRDN is on the minus strand). VCF-style: chr6-123548535-A-T. GRCh37 (hg19) VCF-style: chr6-123869680-A-T.
Other names: c.310T>A, p.Tyr104Asn (NM_001251987.2, NM_001256020.2, NM_001256021.2 and 1 more transcripts); c.310T>A (NM_006073.2); short protein forms Y104N.
Identifiers: ClinVar variation 1424242 (VCV001424242.9), dbSNP rs566714157, ClinGen allele CA3984419.
Genomic context (GRCh38, chr6:123,548,535, plus strand): 5'-CATCATCATCTTCTTCATCTTCAGATGAGATGATGTCAGATAACAAAGAAAAGAAGCCAT[A>T]GATCCAGTCCGTGGTTTCCTCCATAGCATCACGTACCAGTTTTAAAGGATCTGAGCCAAT-3'
Protein context (NP_006064.2, residues 94-114): DAMEETTDWI[Tyr104Asn]GFFSLLSDII